The following is an entry in ClinVar:

NM_198428.3(BBS9):c.1694-4G>C

Gene: BBS9 (Bardet-Biedl syndrome 9; plus strand). Cytogenetic location: 7p14.3.
Variant type: single nucleotide variant.
Coding change: c.1694-4G>C on transcript NM_198428.3 (MANE Select); 4 bases into the intron before coding-DNA position 1694, G replaced by C.
Molecular consequence: intron variant.
Genome position (GRCh38, 1-based): chr7:33,367,763, G>C. VCF-style: chr7-33367763-G-C. GRCh37 (hg19) VCF-style: chr7-33407375-G-C.
Other names: c.1694-4G>C (NM_001348036.1, NM_001348043.3, NM_001362679.1 and 2 more transcripts); c.1574-4G>C (NM_001348040.3, NM_014451.4); c.1328-4G>C (NM_001348037.3, NM_001348045.3, NM_001348046.3); c.1559-4G>C (NM_001348042.3); c.1223-4G>C (NM_001348044.3); c.1316-4G>C (NM_001348039.3); c.1679-4G>C (NM_001033605.2); c.1589-4G>C (NM_001033604.2); and 1 more.
Identifiers: ClinVar variation 2807366 (VCV002807366.4), dbSNP rs1178458310, ClinGen allele CA2682343521.

ClinVar aggregate classification (germline): Likely benign. Review status: criteria provided, single submitter (1 of 4 stars). 2 submissions from 2 submitters: Likely benign (1). 1 of the submissions does not count toward it. Last evaluated 2023-09-13.

Conditions:
BBS9-related disorder. Also called: BBS9-related condition.
Bardet-Biedl syndrome (BBS). Identifiers: Orphanet 110, MedGen C0752166, MONDO:0015229.

gnomAD v4.1: 1 of 1,613,454 alleles (0.000062%); highest among the groups gnomAD compares: African/African-American, 0.0013%; no homozygotes.

Submissions (2):

Labcorp Genetics (formerly Invitae), Labcorp
Classification: Likely benign for Bardet-Biedl syndrome. Last evaluated: 2023-09-13. Review status: criteria provided, single submitter. Criteria: Invitae Variant Classification Sherloc (09022015). Collection method: clinical testing. Allele origin: germline.

PreventionGenetics, part of Exact Sciences
Classification: Likely benign for BBS9-related condition. Last evaluated: 2024-02-28. Review status: no assertion criteria provided. Collection method: clinical testing. Allele origin: germline. Not counted in ClinVar's aggregate classification.
Comment: This variant is classified as likely benign based on ACMG/AMP sequence variant interpretation guidelines (Richards et al. 2015 PMID: 25741868, with internal and published modifications).